The following is an entry in ClinVar:

NM_001159387.2(B4GALNT2):c.954+5G>A

Gene: B4GALNT2 (beta-1,4-N-acetyl-galactosaminyltransferase 2 (SID blood group); plus strand). Cytogenetic location: 17q21.32.
Variant type: single nucleotide variant.
Coding change: c.954+5G>A on transcript NM_001159387.2 (MANE Select); 5 bases into the intron after coding-DNA position 954, G replaced by A.
Molecular consequence: intron variant.
Genome position (GRCh38, 1-based): chr17:49,164,280, G>A. VCF-style: chr17-49164280-G-A. GRCh37 (hg19) VCF-style: chr17-47241642-G-A.
Other names: B4GALNT2, c.1134+5G-A (rs72835417); NC_000017.10:g.47241642G>A; c.876+5G>A (NM_001159388.2); c.1134+5G>A (NM_153446.3).
Identifiers: ClinVar variation 1279672 (VCV001279672.54), dbSNP rs72835417, ClinGen allele CA8636976.

ClinVar aggregate classification (germline): Benign. Review status: criteria provided, multiple submitters, no conflicts (2 of 4 stars). 3 submissions from 3 submitters: Benign (2). 1 of the submissions does not count toward it. Last evaluated 2020-02-17.

Conditions:
BLOOD GROUP, SID SYSTEM (SID). Also called: SD(A) BLOOD GROUP ANTIGEN. Identifiers: MedGen C5574996, OMIM 615018.

Allele frequency attached by ClinVar (database versions not stated): 1000 Genomes Project 0.03395; 1000 Genomes Project 30x 0.03560; TOPMed 0.06882; gnomAD 0.07640 and 0.07909; gnomAD exomes 0.07867 and 0.09830; ExAC 0.08031; ESP Exome Variant Server 0.08173.
gnomAD v4.1: 153,724 of 1,606,868 alleles (9.6%); highest among the groups gnomAD compares: Non-Finnish European, 11%; 8,494 homozygotes.

Submissions (20):

GeneDx
Classification: Benign. Last evaluated: 2020-02-17. Review status: criteria provided, single submitter. Criteria: GeneDx Variant Classification Process June 2021. Collection method: clinical testing. Allele origin: germline. Affected: yes.
Comment: This variant is associated with the following publications: (PMID: 31367682)

Breakthrough Genomics
Classification: Benign. Review status: criteria provided, single submitter. Criteria: ACMG Guidelines, 2015. Collection method: not provided. Allele origin: germline. Inheritance: Unknown mechanism. Affected: yes.

OMIM
Classification: Pathogenic for SID BLOOD GROUP SYSTEM, Sd(a-) PHENOTYPE. Last evaluated: 2023-07-18. Review status: no assertion criteria provided. Collection method: literature only. Allele origin: germline. Not counted in ClinVar's aggregate classification.

Dr. Peter K. Rogan Lab, Western University
No classification provided (evidence only). Condition: Colorectal cancer. Review status: no classification provided. Collection method: in vitro. Allele origin: not applicable. Functional consequence: skipped exon, retained intron. Not counted in ClinVar's aggregate classification.

Dr. Peter K. Rogan Lab, Western University
No classification provided (evidence only). Condition: Colorectal cancer. Review status: no classification provided. Collection method: in vitro. Allele origin: not applicable. Functional consequence: retained intron. Not counted in ClinVar's aggregate classification.

Dr. Peter K. Rogan Lab, Western University
No classification provided (evidence only). Condition: Colorectal cancer. Review status: no classification provided. Collection method: in vitro. Allele origin: not applicable. Functional consequence: skipped exon. Not counted in ClinVar's aggregate classification.

Dr. Peter K. Rogan Lab, Western University
No classification provided (evidence only). Condition: Colorectal cancer. Review status: no classification provided. Collection method: in vitro. Allele origin: not applicable. Functional consequence: skipped exon. Not counted in ClinVar's aggregate classification.

Dr. Peter K. Rogan Lab, Western University
No classification provided (evidence only). Condition: Colorectal cancer. Review status: no classification provided. Collection method: in vitro. Allele origin: not applicable. Functional consequence: skipped exon, retained intron. Not counted in ClinVar's aggregate classification.

Dr. Peter K. Rogan Lab, Western University
No classification provided (evidence only). Condition: Nonpapillary renal cell carcinoma. Review status: no classification provided. Collection method: in vitro. Allele origin: not applicable. Functional consequence: skipped exon, retained intron. Not counted in ClinVar's aggregate classification.

Dr. Peter K. Rogan Lab, Western University
No classification provided (evidence only). Condition: Nonpapillary renal cell carcinoma. Review status: no classification provided. Collection method: in vitro. Allele origin: not applicable. Functional consequence: skipped exon, retained intron. Not counted in ClinVar's aggregate classification.

Dr. Peter K. Rogan Lab, Western University
No classification provided (evidence only). Condition: Nonpapillary renal cell carcinoma. Review status: no classification provided. Collection method: in vitro. Allele origin: not applicable. Functional consequence: skipped exon. Not counted in ClinVar's aggregate classification.

Dr. Peter K. Rogan Lab, Western University
No classification provided (evidence only). Condition: Nonpapillary renal cell carcinoma. Review status: no classification provided. Collection method: in vitro. Allele origin: not applicable. Functional consequence: skipped exon. Not counted in ClinVar's aggregate classification.

Dr. Peter K. Rogan Lab, Western University
No classification provided (evidence only). Condition: Nonpapillary renal cell carcinoma. Review status: no classification provided. Collection method: in vitro. Allele origin: not applicable. Functional consequence: skipped exon, retained intron. Not counted in ClinVar's aggregate classification.

Dr. Peter K. Rogan Lab, Western University
No classification provided (evidence only). Condition: Nonpapillary renal cell carcinoma. Review status: no classification provided. Collection method: in vitro. Allele origin: not applicable. Functional consequence: skipped exon. Not counted in ClinVar's aggregate classification.

Dr. Peter K. Rogan Lab, Western University
No classification provided (evidence only). Condition: Thymoma. Review status: no classification provided. Collection method: in vitro. Allele origin: not applicable. Functional consequence: retained intron. Not counted in ClinVar's aggregate classification.

Dr. Peter K. Rogan Lab, Western University
No classification provided (evidence only). Condition: Thymoma. Review status: no classification provided. Collection method: in vitro. Allele origin: not applicable. Functional consequence: retained intron. Not counted in ClinVar's aggregate classification.

Dr. Peter K. Rogan Lab, Western University
No classification provided (evidence only). Condition: Cholangiocarcinoma. Review status: no classification provided. Collection method: in vitro. Allele origin: not applicable. Functional consequence: skipped exon. Not counted in ClinVar's aggregate classification.

Dr. Peter K. Rogan Lab, Western University
No classification provided (evidence only). Condition: Cholangiocarcinoma. Review status: no classification provided. Collection method: in vitro. Allele origin: not applicable. Functional consequence: skipped exon. Not counted in ClinVar's aggregate classification.

Dr. Peter K. Rogan Lab, Western University
No classification provided (evidence only). Condition: Cholangiocarcinoma. Review status: no classification provided. Collection method: in vitro. Allele origin: not applicable. Functional consequence: skipped exon, retained intron. Not counted in ClinVar's aggregate classification.

Dr. Peter K. Rogan Lab, Western University
No classification provided (evidence only). Condition: Uterine carcinosarcoma. Review status: no classification provided. Collection method: in vitro. Allele origin: not applicable. Functional consequence: skipped exon, retained intron. Not counted in ClinVar's aggregate classification.

Literature cited by the submitters: PubMed 31367682 (cited by OMIM).